The following is an entry in ClinVar:

ClinVar aggregate classification (germline): Uncertain significance (1 of 4 stars; one submission).

Conditions:
Methylcobalamin deficiency type cblG (HMAG). Also called: HOMOCYSTINURIA-MEGALOBLASTIC ANEMIA DUE TO DEFECT IN COBALAMIN METABOLISM, cblG COMPLEMENTATION TYPE; HOMOCYSTINURIA-MEGALOBLASTIC ANEMIA, cblG TYPE; HOMOCYSTINURIA-MEGALOBLASTIC ANEMIA, cblG COMPLEMENTATION TYPE; Functional methionine synthase deficiency type cblG. Identifiers: Orphanet 2170, Orphanet 622, MedGen C1855128, MONDO:0009609, OMIM 250940.

Submission:

Labcorp Genetics (formerly Invitae), Labcorp
Classification: Uncertain significance for Methylcobalamin deficiency type cblG. Last evaluated: 2022-06-28. Review status: criteria provided, single submitter. Criteria: Invitae Variant Classification Sherloc (09022015). Collection method: clinical testing. Allele origin: germline.
Comment: This variant has not been reported in the literature in individuals affected with MTR-related conditions. Algorithms developed to predict the effect of missense changes on protein structure and function are either unavailable or do not agree on the potential impact of this missense change (SIFT: "Deleterious"; PolyPhen-2: "Probably Damaging"; Align-GVGD: "Class C0"). In summary, the available evidence is currently insufficient to determine the role of this variant in disease. Therefore, it has been classified as a Variant of Uncertain Significance. This sequence change replaces leucine, which is neutral and non-polar, with histidine, which is basic and polar, at codon 254 of the MTR protein (p.Leu254His). This variant is not present in population databases (gnomAD no frequency).

NM_000254.3(MTR):c.761T>A (p.Leu254His)

Gene: MTR (5-methyltetrahydrofolate-homocysteine methyltransferase; plus strand). Cytogenetic location: 1q43.
Variant type: single nucleotide variant.
Coding change: c.761T>A on transcript NM_000254.3 (MANE Select); coding-DNA position 761, T replaced by A.
Protein change: p.Leu254His; replaces leucine 254 with histidine.
Molecular consequence: missense variant. On other transcripts: 5 prime UTR variant (1).
Genome position (GRCh38, 1-based): chr1:236,816,540, T>A. VCF-style: chr1-236816540-T-A. GRCh37 (hg19) VCF-style: chr1-236979840-T-A.
Other names: c.761T>A, p.Leu254His (NM_001291939.1); c.-348T>A (NM_001291940.2); short protein forms L254H.
Identifiers: ClinVar variation 1392142 (VCV001392142.6), dbSNP rs2103062352, ClinGen allele CA345386623.